The following is an entry in ClinVar:

ClinVar aggregate classification (germline): Uncertain significance (1 of 4 stars; one submission).

Conditions:
Renal cell carcinoma. Identifiers: Orphanet 217071, MedGen C0007134, MeSH D002292, MONDO:0005086, HP:0005584.

Submission:

Labcorp Genetics (formerly Invitae), Labcorp
Classification: Uncertain significance for Renal cell carcinoma. Last evaluated: 2024-08-20. Review status: criteria provided, single submitter. Criteria: Invitae Variant Classification Sherloc (09022015). Collection method: clinical testing. Allele origin: germline.
Comment: This sequence change replaces isoleucine, which is neutral and non-polar, with threonine, which is neutral and polar, at codon 1147 of the MET protein (p.Ile1147Thr). This variant is not present in population databases (gnomAD no frequency). This variant has not been reported in the literature in individuals affected with MET-related conditions. Invitae Evidence Modeling of protein sequence and biophysical properties (such as structural, functional, and spatial information, amino acid conservation, physicochemical variation, residue mobility, and thermodynamic stability) indicates that this missense variant is expected to disrupt MET protein function with a positive predictive value of 80%. In summary, the available evidence is currently insufficient to determine the role of this variant in disease. Therefore, it has been classified as a Variant of Uncertain Significance.

NM_000245.4(MET):c.3386T>C (p.Ile1129Thr)

Gene: MET (MET proto-oncogene, receptor tyrosine kinase; plus strand). Cytogenetic location: 7q31.2.
Variant type: single nucleotide variant.
Coding change: c.3386T>C on transcript NM_000245.4 (MANE Select); coding-DNA position 3386, T replaced by C.
Protein change: p.Ile1129Thr; replaces isoleucine 1129 with threonine.
Molecular consequence: missense variant.
Genome position (GRCh38, 1-based): chr7:116,778,821, T>C. VCF-style: chr7-116778821-T-C. GRCh37 (hg19) VCF-style: chr7-116418875-T-C.
Other names: c.3440T>C, p.Ile1147Thr (NM_001127500.3); c.2096T>C, p.Ile699Thr (NM_001324402.2); short protein forms I1129T, I1147T, I699T.
Identifiers: ClinVar variation 3663002 (VCV003663002.2).